The following is an entry in ClinVar:

ClinVar aggregate classification (germline): Uncertain significance. Review status: criteria provided, multiple submitters, no conflicts (2 of 4 stars). 4 submissions from 4 submitters: Uncertain significance (4). Last evaluated 2025-08-12.

Conditions:
RP1-related disorder. Also called: RP1-related condition.

Allele frequency attached by ClinVar (database versions not stated): gnomAD exomes 0.00003 and 0.00001; TOPMed 0.00003; gnomAD 0.00001; ExAC 0.00003.
gnomAD v4.1: 23 of 1,613,760 alleles (0.0014%); highest among the groups gnomAD compares: Admixed American, 0.005%; no homozygotes.

Submissions (4):

PreventionGenetics, part of Exact Sciences
Classification: Uncertain significance for RP1-related condition. Last evaluated: 2025-08-12. Review status: criteria provided, single submitter. Criteria: ACMG Guidelines, 2015. Collection method: clinical testing. Allele origin: germline.
Comment: The RP1 c.2011A>C variant is predicted to result in the amino acid substitution p.Lys671Gln. This variant was reported, along with p.Cys1657Phe, in an individual with retinitis pigmentosa (supplementary data, Weisschuh et al. 2024. PubMed ID: 37734845). This variant is reported in 0.0053% of alleles in individuals of European (Non-Finnish) descent in gnomAD. At this time, the clinical significance of this variant is uncertain due to the absence of conclusive functional and genetic evidence.

Labcorp Genetics (formerly Invitae), Labcorp
Classification: Uncertain significance. Last evaluated: 2024-02-08. Review status: criteria provided, single submitter. Criteria: Invitae Variant Classification Sherloc (09022015). Collection method: clinical testing. Allele origin: germline.
Comment: This sequence change replaces lysine, which is basic and polar, with glutamine, which is neutral and polar, at codon 671 of the RP1 protein (p.Lys671Gln). This variant is present in population databases (rs773177329, gnomAD 0.005%). This variant has not been reported in the literature in individuals affected with RP1-related conditions. ClinVar contains an entry for this variant (Variation ID: 426264). An algorithm developed to predict the effect of missense changes on protein structure and function (PolyPhen-2) suggests that this variant is likely to be disruptive. In summary, the available evidence is currently insufficient to determine the role of this variant in disease. Therefore, it has been classified as a Variant of Uncertain Significance.

Blueprint Genetics
Classification: Uncertain significance. Last evaluated: 2022-09-19. Review status: criteria provided, single submitter. Criteria: ACMG Guidelines, 2015. Collection method: clinical testing. Allele origin: germline.

GeneDx
Classification: Uncertain significance. Last evaluated: 2017-04-24. Review status: criteria provided, single submitter. Criteria: GeneDx Variant Classification (06012015). Collection method: clinical testing. Allele origin: germline. Affected: yes.
Comment: The K671Q variant in the RP1 gene has not been reported previously as a pathogenic variant, nor as a benign variant, to our knowledge. The K671Q variant is observed in 3/65600 (0.005%) alleles from individuals of European background in large population cohorts (Lek et al., 2016; 1000 Genomes Consortium et al., 2015; Exome Variant Server). The K671Q variant is a semi-conservative amino acid substitution, which may impact secondary protein structure as these residues differ in some properties. This substitution occurs at a position where amino acids with similar properties to Lysine are tolerated across species. In silico analysis is inconsistent in its predictions as to whether or not the variant is damaging to the protein structure/function. We interpret K671Q as a variant of uncertain significance.

NM_006269.2(RP1):c.2011A>C (p.Lys671Gln)

Gene: RP1 (RP1 axonemal microtubule associated; plus strand). Cytogenetic location: 8q12.1.
Variant type: single nucleotide variant.
Coding change: c.2011A>C on transcript NM_006269.2 (MANE Select); coding-DNA position 2011, A replaced by C.
Protein change: p.Lys671Gln; replaces lysine 671 with glutamine.
Molecular consequence: missense variant.
Genome position (GRCh38, 1-based): chr8:54,625,893, A>C. VCF-style: chr8-54625893-A-C. GRCh37 (hg19) VCF-style: chr8-55538453-A-C.
Other names: short protein forms K671Q.
Identifiers: ClinVar variation 426264 (VCV000426264.8), dbSNP rs773177329, ClinGen allele CA4751464.